The following is an entry in ClinVar:

NM_002878.4(RAD51D):c.617A>G (p.Asp206Gly)

Genes: RAD51D (RAD51 paralog D; minus strand), RAD51L3-RFFL (RAD51L3-RFFL readthrough; minus strand). Cytogenetic location: 17q12.
Variant type: single nucleotide variant.
Coding change: c.617A>G on transcript NM_002878.4 (MANE Select); coding-DNA position 617, A replaced by G.
Protein change: p.Asp206Gly; replaces aspartic acid 206 with glycine.
Molecular consequence: missense variant. On other transcripts: non-coding transcript variant (3).
Genome position (GRCh38, 1-based): chr17:35,103,504, T>C on the plus strand (A>G on the coding strand, the complement: RAD51D is on the minus strand). VCF-style: chr17-35103504-T-C. GRCh37 (hg19) VCF-style: chr17-33430523-T-C.
Other names: c.677A>G, p.Asp226Gly (NM_001142571.2); c.281A>G, p.Asp94Gly (NM_133629.3); short protein forms D94G, D206G, D226G.
Identifiers: ClinVar variation 2756850 (VCV002756850.3), dbSNP rs2509130367, ClinGen allele CA399087921.

ClinVar aggregate classification (germline): Uncertain significance (1 of 4 stars; one submission).

Conditions:
Breast-ovarian cancer, familial, susceptibility to, 4. Identifiers: Orphanet 145, MedGen C3280345, MONDO:0013669, OMIM 614291.

Submission:

Labcorp Genetics (formerly Invitae), Labcorp
Classification: Uncertain significance for Breast-ovarian cancer, familial, susceptibility to, 4. Last evaluated: 2024-05-22. Review status: criteria provided, single submitter. Criteria: Invitae Variant Classification Sherloc (09022015). Collection method: clinical testing. Allele origin: germline.
Comment: This sequence change replaces aspartic acid, which is acidic and polar, with glycine, which is neutral and non-polar, at codon 206 of the RAD51D protein (p.Asp206Gly). This variant is not present in population databases (gnomAD no frequency). This variant has not been reported in the literature in individuals affected with RAD51D-related conditions. Advanced modeling of protein sequence and biophysical properties (such as structural, functional, and spatial information, amino acid conservation, physicochemical variation, residue mobility, and thermodynamic stability) performed at Invitae indicates that this missense variant is expected to disrupt RAD51D protein function with a positive predictive value of 80%. In summary, the available evidence is currently insufficient to determine the role of this variant in disease. Therefore, it has been classified as a Variant of Uncertain Significance.